The following is an entry in ClinVar:

ClinVar aggregate classification (germline): Uncertain significance (1 of 4 stars; one submission).

Submission:

Ambry Genetics
Classification: Uncertain significance. Last evaluated: 2025-03-15. Review status: criteria provided, single submitter. Criteria: Ambry Variant Classification Scheme 2023. Collection method: clinical testing. Allele origin: germline.
Comment: The p.H105Y variant (also known as c.313C>T), located in coding exon 5 of the FAM175A gene, results from a C to T substitution at nucleotide position 313. The histidine at codon 105 is replaced by tyrosine, an amino acid with similar properties. This amino acid position is conserved. In addition, this alteration is predicted to be tolerated by in silico analysis. Based on the available evidence, the clinical significance of this variant remains unclear.

NM_139076.3(ABRAXAS1):c.313C>T (p.His105Tyr)

Gene: ABRAXAS1 (abraxas 1, BRCA1 A complex subunit; minus strand). Cytogenetic location: 4q21.23.
Variant type: single nucleotide variant.
Coding change: c.313C>T on transcript NM_139076.3 (MANE Select); coding-DNA position 313, C replaced by T.
Protein change: p.His105Tyr; replaces histidine 105 with tyrosine.
Molecular consequence: missense variant. On other transcripts: 5 prime UTR variant (1).
Genome position (GRCh38, 1-based): chr4:83,470,366, G>A on the plus strand (C>T on the coding strand, the complement: ABRAXAS1 is on the minus strand). VCF-style: chr4-83470366-G-A. GRCh37 (hg19) VCF-style: chr4-84391519-G-A.
Other names: c.-15C>T (NM_001345962.2); short protein forms H105Y.
Identifiers: ClinVar variation 3994506 (VCV003994506.1).